The following is an entry in ClinVar:

ClinVar aggregate classification (germline): Pathogenic. Review status: criteria provided, multiple submitters, no conflicts (2 of 4 stars). 8 submissions from 8 submitters: Pathogenic (7). 1 of the submissions does not count toward it. Last evaluated 2024-06-10.

Conditions:
NPC1-related disorder. Also called: NPC1-related condition.
Niemann-Pick disease, type C (NPC). Identifiers: Orphanet 646, MedGen C0220756, MONDO:0018982.
Niemann-Pick disease, type C1. Also called: NEUROVISCERAL STORAGE DISEASE WITH VERTICAL SUPRANUCLEAR OPHTHALMOPLEGIA; NIEMANN-PICK DISEASE WITH CHOLESTEROL ESTERIFICATION BLOCK; NIEMANN-PICK DISEASE WITHOUT SPHINGOMYELINASE DEFICIENCY; NIEMANN-PICK DISEASE, CHRONIC NEURONOPATHIC FORM; NIEMANN-PICK DISEASE, VARIANT TYPE C1. Identifiers: Orphanet 646, MedGen C3179455, MONDO:0009757, OMIM 257220.

Allele frequency attached by ClinVar (database versions not stated): gnomAD exomes below 0.00001.
gnomAD v4.1: 2 of 1,614,202 alleles (0.00012%); highest among the groups gnomAD compares: Non-Finnish European, 0.00017%; no homozygotes.

Submissions (8):

Natera, Inc.
Classification: Pathogenic for Niemann-Pick disease type C1. Last evaluated: 2024-06-10. Review status: criteria provided, single submitter. Criteria: Natera Variant Classification Schema (03/2026). Collection method: clinical testing. Allele origin: germline.
Comment: The c.2761C>T variant in NPC1 is a nonsense variant predicted to introduce a stop codon at amino acid 921. This variant is expected to result in nonsense mediated decay, truncation, or a dysfunctional protein product. This variant is rare in the general population with a frequency below the threshold expected for the associated phenotype(s). This variant has been observed in one or more individuals affected with the associated recessive disease, as either homozygous or compound heterozygous with a second variant (PMID: 11349231). Given the available evidence, this variant is classified as Pathogenic.

Labcorp Genetics (formerly Invitae), Labcorp
Classification: Pathogenic for Niemann-Pick disease, type C1. Last evaluated: 2023-10-17. Review status: criteria provided, single submitter. Criteria: Invitae Variant Classification Sherloc (09022015). Collection method: clinical testing. Allele origin: germline.
Comment: This sequence change creates a premature translational stop signal (p.Gln921*) in the NPC1 gene. It is expected to result in an absent or disrupted protein product. Loss-of-function variants in NPC1 are known to be pathogenic (PMID: 9211850). This variant is not present in population databases (gnomAD no frequency). This premature translational stop signal has been observed in individual(s) with Niemann-Pick disease type C (PMID: 11349231). ClinVar contains an entry for this variant (Variation ID: 188849). For these reasons, this variant has been classified as Pathogenic.

PreventionGenetics, part of Exact Sciences
Classification: Pathogenic for NPC1-related condition. Last evaluated: 2023-08-16. Review status: criteria provided, single submitter. Criteria: ACMG Guidelines, 2015. Collection method: clinical testing. Allele origin: germline.
Comment: The NPC1 c.2761C>T variant is predicted to result in premature protein termination (p.Gln921*). This variant has been reported in the presumably homozygous and compound heterozygous states in multiple individuals with Niemann-Pick disease type C (Table 2, Sun et al. 2001. PubMed ID: 11349231; Table 1, Fancello et al. 2009. PubMed ID: 19252935; Table 1, Dardis et al. 2020. PubMed ID: 32138288). This variant has not been reported in a large population database, indicating this variant is rare. Nonsense variants in NPC1 are expected to be pathogenic. This variant is interpreted as pathogenic.

Women's Health and Genetics/Laboratory Corporation of America, LabCorp
Classification: Pathogenic for Niemann-Pick disease, type C. Last evaluated: 2022-06-16. Review status: criteria provided, single submitter. Criteria: LabCorp Variant Classification Summary - May 2015. Collection method: clinical testing. Allele origin: germline.
Comment: Variant summary: NPC1 c.2761C>T (p.Gln921X) results in a premature termination codon, predicted to cause a truncation of the encoded protein or absence of the protein due to nonsense mediated decay, which are commonly known mechanisms for disease. Truncations downstream of this position have been classified as pathogenic by our laboratory. The variant was absent in 251470 control chromosomes (gnomAD). c.2761C>T has been reported in the literature in individuals affected with Niemann-Pick Disease Type C (e.g. Sun_2001, Fancello_2009, Romanello_2016). These data indicate that the variant is likely to be associated with disease. To our knowledge, no experimental evidence demonstrating an impact on protein function has been reported. Two ClinVar submitters have assessed the variant since 2014: both classified the variant as pathogenic. Based on the evidence outlined above, the variant was classified as pathogenic.

Fulgent Genetics
Classification: Pathogenic for Niemann-Pick disease, type C1. Last evaluated: 2021-11-23. Review status: criteria provided, single submitter. Criteria: ACMG Guidelines, 2015. Collection method: clinical testing. Allele origin: unknown.

GeneDx
Classification: Pathogenic. Last evaluated: 2021-03-02. Review status: criteria provided, single submitter. Criteria: GeneDx Variant Classification Process June 2021. Collection method: clinical testing. Allele origin: germline. Affected: yes.
Comment: Nonsense variant predicted to result in protein truncation or nonsense mediated decay in a gene for which loss-of-function is a known mechanism of disease; Not observed in large population cohorts (Lek et al., 2016); This variant is associated with the following publications: (PMID: 19252935, 32138288, 11349231, 25525159)

Baylor Genetics
Classification: Pathogenic for Niemann-Pick disease, type C1. Review status: criteria provided, single submitter. Criteria: ACMG Guidelines, 2015. Collection method: clinical testing. Allele origin: germline.

Counsyl
Classification: Likely pathogenic for Niemann-Pick disease type C1. Last evaluated: 2014-06-24. Review status: no assertion criteria provided. Collection method: literature only. Allele origin: unknown. Inheritance: Autosomal recessive inheritance. Not counted in ClinVar's aggregate classification.

Literature cited by the submitters: PubMed 11349231 (cited by 4 submitters); PubMed 9211850 (cited by Labcorp Genetics (formerly Invitae), Labcorp); PubMed 19252935 (cited by Women's Health and Genetics/Laboratory Corporation of America, LabCorp and Counsyl); PubMed 26790753 (cited by Women's Health and Genetics/Laboratory Corporation of America, LabCorp).

NM_000271.5(NPC1):c.2761C>T (p.Gln921Ter)

Gene: NPC1 (NPC intracellular cholesterol transporter 1; minus strand). Cytogenetic location: 18q11.2.
Variant type: single nucleotide variant.
Coding change: c.2761C>T on transcript NM_000271.5 (MANE Select); coding-DNA position 2761, C replaced by T.
Protein change: p.Gln921Ter; replaces glutamine 921 with a stop codon.
Molecular consequence: nonsense.
Genome position (GRCh38, 1-based): chr18:23,539,845, G>A on the plus strand (C>T on the coding strand, the complement: NPC1 is on the minus strand). VCF-style: chr18-23539845-G-A. GRCh37 (hg19) VCF-style: chr18-21119809-G-A.
Other names: short protein forms Q921*.
Identifiers: ClinVar variation 188849 (VCV000188849.18), dbSNP rs786204512, ClinGen allele CA274036.